The following is an entry in ClinVar:

NM_015346.4(ZFYVE26):c.2680G>A (p.Ala894Thr)

Gene: ZFYVE26 (zinc finger FYVE-type containing 26; minus strand). Cytogenetic location: 14q24.1.
Variant type: single nucleotide variant.
Coding change: c.2680G>A on transcript NM_015346.4 (MANE Select); coding-DNA position 2680, G replaced by A.
Protein change: p.Ala894Thr; replaces alanine 894 with threonine.
Molecular consequence: missense variant.
Genome position (GRCh38, 1-based): chr14:67,790,647, C>T on the plus strand (G>A on the coding strand, the complement: ZFYVE26 is on the minus strand). VCF-style: chr14-67790647-C-T. GRCh37 (hg19) VCF-style: chr14-68257364-C-T.
Other names: short protein forms A894T.
Identifiers: ClinVar variation 567466 (VCV000567466.4), dbSNP rs149203489, ClinGen allele CA7240207.

ClinVar aggregate classification (germline): Uncertain significance. Review status: criteria provided, multiple submitters, no conflicts (2 of 4 stars). 3 submissions from 3 submitters: Uncertain significance (3). Last evaluated 2021-08-31.

Conditions:
Spastic paraplegia. Identifiers: MedGen C0037772, HP:0001258.
Hereditary spastic paraplegia 15 (SPG15). Also called: SPASTIC PARAPLEGIA 15, AUTOSOMAL RECESSIVE; SPASTIC PARAPLEGIA AND RETINAL DEGENERATION; KJELLIN SYNDROME. Identifiers: Orphanet 100996, MedGen C1849128, MONDO:0010044, OMIM 270700.
Inborn genetic diseases. Identifiers: MedGen C0950123, MeSH D030342.

Allele frequency attached by ClinVar (database versions not stated): TOPMed below 0.00001; gnomAD 0.00001; ExAC 0.00002; gnomAD exomes 0.00002 and 0.00004; ESP Exome Variant Server 0.00008.
gnomAD v4.1: 63 of 1,614,064 alleles (0.0039%); highest among the groups gnomAD compares: Non-Finnish European, 0.0053%; no homozygotes.

Submissions (3):

Labcorp Genetics (formerly Invitae), Labcorp
Classification: Uncertain significance for Spastic paraplegia. Last evaluated: 2021-08-31. Review status: criteria provided, single submitter. Criteria: Invitae Variant Classification Sherloc (09022015). Collection method: clinical testing. Allele origin: germline.
Comment: This sequence change replaces alanine with threonine at codon 894 of the ZFYVE26 protein (p.Ala894Thr). The alanine residue is weakly conserved and there is a small physicochemical difference between alanine and threonine. This variant is present in population databases (rs149203489, ExAC 0.003%). This variant has not been reported in the literature in individuals affected with ZFYVE26-related conditions. Algorithms developed to predict the effect of missense changes on protein structure and function (SIFT, PolyPhen-2, Align-GVGD) all suggest that this variant is likely to be tolerated. In summary, the available evidence is currently insufficient to determine the role of this variant in disease. Therefore, it has been classified as a Variant of Uncertain Significance.

Ambry Genetics
Classification: Uncertain significance for Inborn genetic diseases. Last evaluated: 2021-07-20. Review status: criteria provided, single submitter. Criteria: Ambry Variant Classification Scheme 2023. Collection method: clinical testing. Allele origin: germline.

Fulgent Genetics
Classification: Uncertain significance for Hereditary spastic paraplegia 15. Last evaluated: 2018-10-31. Review status: criteria provided, single submitter. Criteria: ACMG Guidelines, 2015. Collection method: clinical testing. Allele origin: unknown.